The following is an entry in ClinVar:

NM_014806.5(RUSC2):c.1529G>A (p.Arg510His)

Gene: RUSC2 (RUN and SH3 domain containing 2; plus strand). Cytogenetic location: 9p13.3.
Variant type: single nucleotide variant.
Coding change: c.1529G>A on transcript NM_014806.5 (MANE Select); coding-DNA position 1529, G replaced by A.
Protein change: p.Arg510His; replaces arginine 510 with histidine.
Molecular consequence: missense variant. On other transcripts: non-coding transcript variant (1), intron variant (1).
Genome position (GRCh38, 1-based): chr9:35,548,050, G>A. VCF-style: chr9-35548050-G-A. GRCh37 (hg19) VCF-style: chr9-35548047-G-A.
Other names: c.1529G>A, p.Arg510His (NM_001135999.2); c.-620-7010G>A (NM_001330740.2); short protein forms R510H.
Identifiers: ClinVar variation 1384194 (VCV001384194.4), dbSNP rs375895463, ClinGen allele CA5043664.

ClinVar aggregate classification (germline): Uncertain significance (1 of 4 stars; one submission).

Allele frequency attached by ClinVar (database versions not stated): gnomAD 0.00005 and 0.00007; ESP Exome Variant Server 0.00008; gnomAD exomes 0.00010; ExAC 0.00013.
gnomAD v4.1: 49 of 1,613,518 alleles (0.003%); highest among the groups gnomAD compares: East Asian, 0.065%; no homozygotes.

Submission:

Labcorp Genetics (formerly Invitae), Labcorp
Classification: Uncertain significance. Last evaluated: 2024-01-15. Review status: criteria provided, single submitter. Criteria: Invitae Variant Classification Sherloc (09022015). Collection method: clinical testing. Allele origin: germline.
Comment: This sequence change replaces arginine, which is basic and polar, with histidine, which is basic and polar, at codon 510 of the RUSC2 protein (p.Arg510His). This variant is present in population databases (rs375895463, gnomAD 0.1%). This variant has not been reported in the literature in individuals affected with RUSC2-related conditions. ClinVar contains an entry for this variant (Variation ID: 1384194). An algorithm developed to predict the effect of missense changes on protein structure and function (PolyPhen-2) suggests that this variant is likely to be disruptive. In summary, the available evidence is currently insufficient to determine the role of this variant in disease. Therefore, it has been classified as a Variant of Uncertain Significance.